The following is an entry in ClinVar:

NM_001162501.2(TNRC6B):c.4634A>G (p.Tyr1545Cys)

Gene: TNRC6B (trinucleotide repeat containing adaptor 6B; plus strand). Cytogenetic location: 22q13.1.
Variant type: single nucleotide variant.
Coding change: c.4634A>G on transcript NM_001162501.2 (MANE Select); coding-DNA position 4634, A replaced by G.
Protein change: p.Tyr1545Cys; replaces tyrosine 1545 with cysteine.
Molecular consequence: missense variant.
Genome position (GRCh38, 1-based): chr22:40,312,953, A>G. VCF-style: chr22-40312953-A-G. GRCh37 (hg19) VCF-style: chr22-40708957-A-G.
Other names: c.2222A>G, p.Tyr741Cys (NM_001024843.2); c.4304A>G, p.Tyr1435Cys (NM_015088.3); c.4634A>G (NM_001162501.1); short protein forms Y1435C, Y1545C, Y741C.
Identifiers: ClinVar variation 1298895 (VCV001298895.36), dbSNP rs1190588285, ClinGen allele CA411668029.

ClinVar aggregate classification (germline): Uncertain significance. Review status: criteria provided, multiple submitters, no conflicts (2 of 4 stars). 2 submissions from 2 submitters: Uncertain significance (2). Last evaluated 2024-02-15.

Allele frequency attached by ClinVar (database versions not stated): TOPMed below 0.00001; gnomAD 0.00001.
gnomAD v4.1: 1 of 1,613,778 alleles (0.000062%); highest among the groups gnomAD compares: Non-Finnish European, 0.000085%; no homozygotes.

Submissions (2):

GeneDx
Classification: Uncertain significance. Last evaluated: 2024-02-15. Review status: criteria provided, single submitter. Criteria: GeneDx Variant Classification Process June 2021. Collection method: clinical testing. Allele origin: germline. Affected: yes.
Comment: Not observed at significant frequency in large population cohorts (gnomAD); In silico analysis supports that this missense variant has a deleterious effect on protein structure/function; Has not been previously published as pathogenic or benign to our knowledge

CeGaT Center for Human Genetics Tuebingen
Classification: Uncertain significance. Last evaluated: 2021-07-01. Review status: criteria provided, single submitter. Criteria: CeGaT Center For Human Genetics Tuebingen Variant Classification Criteria Version 2. Collection method: clinical testing. Allele origin: germline. Affected: yes. Observed: 1 variant allele.